The following is an entry in ClinVar:

ClinVar aggregate classification (germline): Uncertain significance. Review status: criteria provided, multiple submitters, no conflicts (2 of 4 stars). 2 submissions from 2 submitters: Uncertain significance (2). Last evaluated 2026-03-18.

Conditions:
Hypertrophic cardiomyopathy. Also called: HYPERTROPHIC MYOCARDIOPATHY. Identifiers: Orphanet 217569, MedGen C0007194, MeSH D002312, MONDO:0005045, HP:0001639.

Submissions (2):

GeneDx
Classification: Uncertain significance. Last evaluated: 2026-03-18. Review status: criteria provided, single submitter. Criteria: GeneDx Variant Classification Process June 2021. Collection method: clinical testing. Allele origin: germline.
Comment: Not observed at significant frequency in large population cohorts (gnomAD); In silico analysis supports that this missense variant has a deleterious effect on protein structure/function; Has not been previously published as pathogenic or benign to our knowledge

Labcorp Genetics (formerly Invitae), Labcorp
Classification: Uncertain significance for Hypertrophic cardiomyopathy. Last evaluated: 2022-10-04. Review status: criteria provided, single submitter. Criteria: Invitae Variant Classification Sherloc (09022015). Collection method: clinical testing. Allele origin: germline.
Comment: In summary, the available evidence is currently insufficient to determine the role of this variant in disease. Therefore, it has been classified as a Variant of Uncertain Significance. Advanced modeling of protein sequence and biophysical properties (such as structural, functional, and spatial information, amino acid conservation, physicochemical variation, residue mobility, and thermodynamic stability) performed at Invitae indicates that this missense variant is expected to disrupt MYH7 protein function. This variant has not been reported in the literature in individuals affected with MYH7-related conditions. This variant is not present in population databases (gnomAD no frequency). This sequence change replaces serine, which is neutral and polar, with proline, which is neutral and non-polar, at codon 1600 of the MYH7 protein (p.Ser1600Pro).

NM_000257.4(MYH7):c.4798T>C (p.Ser1600Pro)

Genes: MHRT (myosin heavy chain associated RNA transcript; plus strand), MYH7 (myosin heavy chain 7; minus strand), LOC126861897 (BRD4-independent group 4 enhancer GRCh37_chr14:23884455-23885654; plus strand). Cytogenetic location: 14q11.2.
Variant type: single nucleotide variant.
Coding change: c.4798T>C on transcript NM_000257.4 (MANE Select); coding-DNA position 4798, T replaced by C.
Protein change: p.Ser1600Pro; replaces serine 1600 with proline.
Molecular consequence: missense variant. On other transcripts: non-coding transcript variant (1).
Genome position (GRCh38, 1-based): chr14:23,416,159, A>G on the plus strand (T>C on the coding strand, the complement: MYH7 is on the minus strand). VCF-style: chr14-23416159-A-G. GRCh37 (hg19) VCF-style: chr14-23885368-A-G.
Other names: c.4798T>C, p.Ser1600Pro (NM_001407004.1); short protein forms S1600P.
Identifiers: ClinVar variation 1714009 (VCV001714009.7), dbSNP rs2502245192, ClinGen allele CA389037612.
Genomic context (GRCh38, chr14:23,416,159, plus strand): 5'-CTTCCATCTTCTTCTTCACCCTCAGGGCCTCGTTGCGGCTGCGTGTCTCTGCGTCCAGGG[A>G]GGTCTGCAGCGAGTCCACCACCCGCAGGTGGTTGCGCTTGGCCTGTTCCATCTCCTCGTC-3'
Protein context (NP_000248.2, residues 1590-1610): HLRVVDSLQT[Ser1600Pro]LDAETRSRNE